The following is an entry in ClinVar:

NM_004423.4(DVL3):c.433C>T (p.Arg145Trp)

Gene: DVL3 (dishevelled segment polarity protein 3; plus strand). Cytogenetic location: 3q27.1.
Variant type: single nucleotide variant.
Coding change: c.433C>T on transcript NM_004423.4 (MANE Select); coding-DNA position 433, C replaced by T.
Protein change: p.Arg145Trp; replaces arginine 145 with tryptophan.
Molecular consequence: missense variant.
Genome position (GRCh38, 1-based): chr3:184,164,571, C>T. VCF-style: chr3-184164571-C-T. GRCh37 (hg19) VCF-style: chr3-183882359-C-T.
Other names: short protein forms R145W.
Identifiers: ClinVar variation 1958586 (VCV001958586.5), dbSNP rs759168364, ClinGen allele CA2727081.

ClinVar aggregate classification (germline): Uncertain significance (1 of 4 stars; one submission).

Allele frequency attached by ClinVar (database versions not stated): gnomAD exomes below 0.00001; gnomAD 0.00001; TOPMed 0.00001; ExAC 0.00002.

Submission:

Labcorp Genetics (formerly Invitae), Labcorp
Classification: Uncertain significance. Last evaluated: 2022-06-23. Review status: criteria provided, single submitter. Criteria: Invitae Variant Classification Sherloc (09022015). Collection method: clinical testing. Allele origin: germline.
Comment: In summary, the available evidence is currently insufficient to determine the role of this variant in disease. Therefore, it has been classified as a Variant of Uncertain Significance. Algorithms developed to predict the effect of missense changes on protein structure and function are either unavailable or do not agree on the potential impact of this missense change (SIFT: "Deleterious"; PolyPhen-2: "Probably Damaging"; Align-GVGD: "Class C0"). This variant has not been reported in the literature in individuals affected with DVL3-related conditions. The frequency data for this variant in the population databases is considered unreliable, as metrics indicate poor data quality at this position in the gnomAD database. This sequence change replaces arginine, which is basic and polar, with tryptophan, which is neutral and slightly polar, at codon 145 of the DVL3 protein (p.Arg145Trp).